The following is an entry in ClinVar:

ClinVar aggregate classification (germline): Pathogenic (1 of 4 stars; one submission).

Conditions:
MHC class II deficiency. Also called: BLS, TYPE II; Bare lymphocyte syndrome 2. Identifiers: Orphanet 572, MedGen C5447452, MONDO:0008855.

Allele frequency attached by ClinVar (database versions not stated): gnomAD 0.00001; gnomAD exomes 0.00001 and below 0.00001; TOPMed 0.00002; ExAC 0.00003.

Submission:

Labcorp Genetics (formerly Invitae), Labcorp
Classification: Pathogenic for MHC class II deficiency. Last evaluated: 2025-09-22. Review status: criteria provided, single submitter. Criteria: Invitae Variant Classification Sherloc (09022015). Collection method: clinical testing. Allele origin: germline.
Comment: This sequence change creates a premature translational stop signal (p.Leu128Profs*76) in the RFXANK gene. It is expected to result in an absent or disrupted protein product. Loss-of-function variants in RFXANK are known to be pathogenic (PMID: 10803838, 16166641, 21908431). The frequency data for this variant in the population databases is considered unreliable, as metrics indicate poor data quality at this position in the gnomAD database. This variant has not been reported in the literature in individuals affected with RFXANK-related conditions. ClinVar contains an entry for this variant (Variation ID: 1072999). For these reasons, this variant has been classified as Pathogenic.

Literature cited by the submitters: PubMed 10803838; PubMed 16166641; PubMed 21908431.

NM_003721.4(RFXANK):c.383del (p.Leu128fs)

Gene: RFXANK (regulatory factor X associated ankyrin containing protein; plus strand). Cytogenetic location: 19p13.11.
Variant type: Deletion.
Coding change: c.383del on transcript NM_003721.4 (MANE Select); coding-DNA position 383, one base deleted (T; older notation c.383delT).
Protein change: p.Leu128fs; shifts the reading frame from leucine 128.
Molecular consequence: frameshift variant.
Genome position (GRCh38, 1-based): chr19:19,197,566, T deleted. VCF-style (leftmost placement, unchanged base first): chr19-19197565-CT-C. GRCh37 (hg19) VCF-style: chr19-19308374-CT-C.
Other names: c.317del, p.Leu106fs (NM_001278727.2, NM_001370234.1); c.314del, p.Leu105fs (NM_001278728.2, NM_134440.3); c.383del, p.Leu128fs (NM_001370233.1, NM_001370238.1); c.380del, p.Leu127fs (NM_001370235.1, NM_001370236.1, NM_001370237.1); short protein forms L105fs, L106fs, L127fs, L128fs.
Identifiers: ClinVar variation 1072999 (VCV001072999.6), dbSNP rs770387882, ClinGen allele CA9322726.